The following is an entry in ClinVar:

NM_001365951.3(KIF1B):c.2599C>G (p.Gln867Glu)

Gene: KIF1B (kinesin family member 1B; plus strand). Cytogenetic location: 1p36.22.
Variant type: single nucleotide variant.
Coding change: c.2599C>G on transcript NM_001365951.3 (MANE Select); coding-DNA position 2599, C replaced by G.
Protein change: p.Gln867Glu; replaces glutamine 867 with glutamic acid.
Molecular consequence: missense variant.
Genome position (GRCh38, 1-based): chr1:10,324,819, C>G. VCF-style: chr1-10324819-C-G. GRCh37 (hg19) VCF-style: chr1-10384877-C-G.
Other names: c.2599C>G, p.Gln867Glu (NM_001365952.1); c.2461C>G, p.Gln821Glu (NM_015074.3); short protein forms Q867E, Q821E.
Identifiers: ClinVar variation 1791638 (VCV001791638.2), dbSNP rs1462674952, ClinGen allele CA338335640.

ClinVar aggregate classification (germline): Uncertain significance (1 of 4 stars; one submission).

Allele frequency attached by ClinVar (database versions not stated): gnomAD exomes below 0.00001; TOPMed below 0.00001.
gnomAD v4.1: 3 of 1,614,016 alleles (0.00019%); highest among the groups gnomAD compares: East Asian, 0.0022%; no homozygotes.

Submission:

Ambry Genetics
Classification: Uncertain significance. Last evaluated: 2022-09-20. Review status: criteria provided, single submitter. Criteria: Ambry Variant Classification Scheme 2023. Collection method: clinical testing. Allele origin: germline.
Comment: The p.Q821E variant (also known as c.2461C>G), located in coding exon 23 of the KIF1B gene, results from a C to G substitution at nucleotide position 2461. The glutamine at codon 821 is replaced by glutamic acid, an amino acid with highly similar properties. This amino acid position is conserved. In addition, this alteration is predicted to be tolerated by in silico analysis. Since supporting evidence is limited at this time, the clinical significance of this alteration remains unclear.